The following is an entry in ClinVar:

NM_001371596.2(MFSD8):c.695T>G (p.Leu232Arg)

Gene: MFSD8 (major facilitator superfamily domain containing 8; minus strand). Cytogenetic location: 4q28.2.
Variant type: single nucleotide variant.
Coding change: c.695T>G on transcript NM_001371596.2 (MANE Select); coding-DNA position 695, T replaced by G.
Protein change: p.Leu232Arg; replaces leucine 232 with arginine.
Molecular consequence: missense variant. On other transcripts: intron variant (5).
Genome position (GRCh38, 1-based): chr4:127,939,856, A>C on the plus strand (T>G on the coding strand, the complement: MFSD8 is on the minus strand). VCF-style: chr4-127939856-A-C. GRCh37 (hg19) VCF-style: chr4-128861011-A-C.
Other names: c.560T>G, p.Leu187Arg (NM_001371590.2); c.695T>G, p.Leu232Arg (NM_001371591.2, NM_152778.4); c.701T>G, p.Leu234Arg (NM_001371592.2); c.581T>G, p.Leu194Arg (NM_001371593.2, NM_001410766.1); c.419-1020T>G (NM_001371595.1); c.304+3896T>G (NM_001410765.1); c.439+3896T>G (NM_001363521.3); c.553+2189T>G (NM_001363520.3); and 1 more; short protein forms L194R, L187R, L232R, L234R.
Identifiers: ClinVar variation 2172044 (VCV002172044.1), dbSNP rs2148907133, ClinGen allele CA358175309.

ClinVar aggregate classification (germline): Uncertain significance (1 of 4 stars; one submission).

Conditions:
Neuronal ceroid lipofuscinosis 7 (CLN7). Also called: MFSD8-Related Neuronal Ceroid-Lipofuscinosis. Identifiers: Orphanet 168491, Orphanet 228366, MedGen C1838571, MONDO:0012588, OMIM 610951.

gnomAD v4.1: 1 of 1,611,476 alleles (0.000062%); highest among the groups gnomAD compares: South Asian, 0.0011%; no homozygotes.

Submission:

Labcorp Genetics (formerly Invitae), Labcorp
Classification: Uncertain significance for Neuronal ceroid lipofuscinosis 7. Last evaluated: 2022-10-24. Review status: criteria provided, single submitter. Criteria: Invitae Variant Classification Sherloc (09022015). Collection method: clinical testing. Allele origin: germline.
Comment: This sequence change replaces leucine, which is neutral and non-polar, with arginine, which is basic and polar, at codon 232 of the MFSD8 protein (p.Leu232Arg). This variant is not present in population databases (gnomAD no frequency). This variant has not been reported in the literature in individuals affected with MFSD8-related conditions. Advanced modeling of protein sequence and biophysical properties (such as structural, functional, and spatial information, amino acid conservation, physicochemical variation, residue mobility, and thermodynamic stability) performed at Invitae indicates that this missense variant is expected to disrupt MFSD8 protein function. In summary, the available evidence is currently insufficient to determine the role of this variant in disease. Therefore, it has been classified as a Variant of Uncertain Significance.